The following is an entry in ClinVar:

NM_020433.5(JPH2):c.32G>T (p.Gly11Val)

Gene: JPH2 (junctophilin 2; minus strand). Cytogenetic location: 20q13.12.
Variant type: single nucleotide variant.
Coding change: c.32G>T on transcript NM_020433.5 (MANE Select); coding-DNA position 32, G replaced by T.
Protein change: p.Gly11Val; replaces glycine 11 with valine.
Molecular consequence: missense variant.
Genome position (GRCh38, 1-based): chr20:44,186,674, C>A on the plus strand (G>T on the coding strand, the complement: JPH2 is on the minus strand). VCF-style: chr20-44186674-C-A. GRCh37 (hg19) VCF-style: chr20-42815314-C-A.
Other names: p.Gly11Val; c.32G>T, p.Gly11Val (NM_175913.4); short protein forms G11V.
Identifiers: ClinVar variation 4542390 (VCV004542390.1).

ClinVar aggregate classification (germline): Uncertain significance (1 of 4 stars; one submission).

Submission:

Mayo Clinic Laboratories, Mayo Clinic
Classification: Uncertain significance. Last evaluated: 2025-05-01. Review status: criteria provided, single submitter. Criteria: ACMG Guidelines, 2015. Collection method: clinical testing. Allele origin: germline. Observed: 1 variant allele.
Comment: PM2_supporting

Literature cited by the submitters: PubMed 32870709; PubMed 35352813.